The following is an entry in ClinVar:

NM_014989.7(RIMS1):c.1375G>T (p.Ala459Ser)

Gene: RIMS1 (regulating synaptic membrane exocytosis 1; plus strand). Cytogenetic location: 6q13.
Variant type: single nucleotide variant.
Coding change: c.1375G>T on transcript NM_014989.7 (MANE Select); coding-DNA position 1375, G replaced by T.
Protein change: p.Ala459Ser; replaces alanine 459 with serine.
Molecular consequence: missense variant.
Genome position (GRCh38, 1-based): chr6:72,182,846, G>T. VCF-style: chr6-72182846-G-T. GRCh37 (hg19) VCF-style: chr6-72892549-G-T.
Other names: short protein forms A459S.
Identifiers: ClinVar variation 2049401 (VCV002049401.4), dbSNP rs748014585, ClinGen allele CA364821090.

ClinVar aggregate classification (germline): Uncertain significance (1 of 4 stars; one submission).

gnomAD v4.1: 1 of 1,554,314 alleles (0.000064%); highest among the groups gnomAD compares: Non-Finnish European, 0.000087%; no homozygotes.

Submission:

Labcorp Genetics (formerly Invitae), Labcorp
Classification: Uncertain significance. Last evaluated: 2024-07-22. Review status: criteria provided, single submitter. Criteria: Invitae Variant Classification Sherloc (09022015). Collection method: clinical testing. Allele origin: germline.
Comment: This sequence change replaces alanine, which is neutral and non-polar, with serine, which is neutral and polar, at codon 459 of the RIMS1 protein (p.Ala459Ser). This variant is not present in population databases (gnomAD no frequency). This variant has not been reported in the literature in individuals affected with RIMS1-related conditions. ClinVar contains an entry for this variant (Variation ID: 2049401). An algorithm developed to predict the effect of missense changes on protein structure and function (PolyPhen-2) suggests that this variant is likely to be tolerated. In summary, the available evidence is currently insufficient to determine the role of this variant in disease. Therefore, it has been classified as a Variant of Uncertain Significance.